The following is an entry in ClinVar:

ClinVar aggregate classification (germline): Uncertain significance (1 of 4 stars; one submission).

Allele frequency attached by ClinVar (database versions not stated): gnomAD exomes below 0.00001.
gnomAD v4.1: 1 of 1,613,498 alleles (0.000062%); highest among the groups gnomAD compares: Non-Finnish European, 0.000085%; no homozygotes.

Submission:

Labcorp Genetics (formerly Invitae), Labcorp
Classification: Uncertain significance. Last evaluated: 2021-08-18. Review status: criteria provided, single submitter. Criteria: Invitae Variant Classification Sherloc (09022015). Collection method: clinical testing. Allele origin: germline.
Comment: This sequence change replaces glutamic acid with aspartic acid at codon 256 of the TUBGCP6 protein (p.Glu256Asp). The glutamic acid residue is moderately conserved and there is a small physicochemical difference between glutamic acid and aspartic acid. This variant is not present in population databases (ExAC no frequency). This variant has not been reported in the literature in individuals with TUBGCP6-related conditions. Algorithms developed to predict the effect of missense changes on protein structure and function output the following: SIFT: "Deleterious"; PolyPhen-2: "Benign"; Align-GVGD: "Class C0". The aspartic acid amino acid residue is found in multiple mammalian species, suggesting that this missense change does not adversely affect protein function. These predictions have not been confirmed by published functional studies and their clinical significance is uncertain. In summary, the available evidence is currently insufficient to determine the role of this variant in disease. Therefore, it has been classified as a Variant of Uncertain Significance.

NM_020461.4(TUBGCP6):c.768A>C (p.Glu256Asp)

Gene: TUBGCP6 (tubulin gamma complex component 6; minus strand). Cytogenetic location: 22q13.33.
Variant type: single nucleotide variant.
Coding change: c.768A>C on transcript NM_020461.4 (MANE Select); coding-DNA position 768, A replaced by C.
Protein change: p.Glu256Asp; replaces glutamic acid 256 with aspartic acid.
Molecular consequence: missense variant.
Genome position (GRCh38, 1-based): chr22:50,240,341, T>G on the plus strand (A>C on the coding strand, the complement: TUBGCP6 is on the minus strand). VCF-style: chr22-50240341-T-G. GRCh37 (hg19) VCF-style: chr22-50678770-T-G.
Other names: short protein forms E256D.
Identifiers: ClinVar variation 1522422 (VCV001522422.8), dbSNP rs2147213861, ClinGen allele CA412112372.